The following is an entry in ClinVar:

NM_016180.5(SLC45A2):c.1268C>T (p.Ser423Phe)

Gene: SLC45A2 (solute carrier family 45 member 2; minus strand). Cytogenetic location: 5p13.2.
Variant type: single nucleotide variant.
Coding change: c.1268C>T on transcript NM_016180.5 (MANE Select); coding-DNA position 1268, C replaced by T.
Protein change: p.Ser423Phe; replaces serine 423 with phenylalanine.
Molecular consequence: missense variant.
Genome position (GRCh38, 1-based): chr5:33,947,263, G>A on the plus strand (C>T on the coding strand, the complement: SLC45A2 is on the minus strand). VCF-style: chr5-33947263-G-A. GRCh37 (hg19) VCF-style: chr5-33947368-G-A.
Other names: c.1268C>T, p.Ser423Phe (NM_001012509.4); short protein forms S423F.
Identifiers: ClinVar variation 2420247 (VCV002420247.3), dbSNP rs201560110, ClinGen allele CA3225510.

ClinVar aggregate classification (germline): Uncertain significance (1 of 4 stars; one submission).

Allele frequency attached by ClinVar (database versions not stated): ExAC 0.00007; TOPMed 0.00002; gnomAD 0.00001.
gnomAD v4.1: 74 of 1,614,074 alleles (0.0046%); highest among the groups gnomAD compares: Non-Finnish European, 0.0058%; no homozygotes.

Submission:

Labcorp Genetics (formerly Invitae), Labcorp
Classification: Uncertain significance. Last evaluated: 2022-04-28. Review status: criteria provided, single submitter. Criteria: Invitae Variant Classification Sherloc (09022015). Collection method: clinical testing. Allele origin: germline.
Comment: This sequence change replaces serine, which is neutral and polar, with phenylalanine, which is neutral and non-polar, at codon 423 of the SLC45A2 protein (p.Ser423Phe). This variant is present in population databases (rs201560110, gnomAD 0.009%). This variant has not been reported in the literature in individuals affected with SLC45A2-related conditions. Algorithms developed to predict the effect of missense changes on protein structure and function are either unavailable or do not agree on the potential impact of this missense change (SIFT: "Deleterious"; PolyPhen-2: "Possibly Damaging"; Align-GVGD: "Class C15"). In summary, the available evidence is currently insufficient to determine the role of this variant in disease. Therefore, it has been classified as a Variant of Uncertain Significance.